The following is an entry in ClinVar:

NM_015102.5(NPHP4):c.600C>G (p.His200Gln)

Gene: NPHP4 (nephrocystin 4; minus strand). Cytogenetic location: 1p36.31.
Variant type: single nucleotide variant.
Coding change: c.600C>G on transcript NM_015102.5 (MANE Select); coding-DNA position 600, C replaced by G.
Protein change: p.His200Gln; replaces histidine 200 with glutamine.
Molecular consequence: missense variant. On other transcripts: 5 prime UTR variant (2), non-coding transcript variant (1).
Genome position (GRCh38, 1-based): chr1:5,961,867, G>C on the plus strand (C>G on the coding strand, the complement: NPHP4 is on the minus strand). VCF-style: chr1-5961867-G-C. GRCh37 (hg19) VCF-style: chr1-6021927-G-C.
Other names: c.-630C>G (NM_001291593.2); c.-767C>G (NM_001291594.2); short protein forms H200Q.
Identifiers: ClinVar variation 5000975 (VCV005000975.1).

ClinVar aggregate classification (germline): Uncertain significance (1 of 4 stars; one submission).

Conditions:
NPHP4-related disorder. Also called: NPHP4-related disorders; NPHP4-related condition. Identifiers: MedGen CN239384.

Submission:

PreventionGenetics, part of Exact Sciences
Classification: Uncertain significance for NPHP4-related condition. Last evaluated: 2025-03-29. Review status: criteria provided, single submitter. Criteria: ACMG Guidelines, 2015. Collection method: clinical testing. Allele origin: germline.
Comment: The NPHP4 c.600C>G variant is predicted to result in the amino acid substitution p.His200Gln. To our knowledge, this variant has not been reported in the literature or in a large population database (gnomAD), indicating this variant is rare. At this time, the clinical significance of this variant is uncertain due to the absence of conclusive functional and genetic evidence.